The following is an entry in ClinVar:

NM_005516.6(HLA-E):c.827A>C (p.Gln276Pro)

Gene: HLA-E (major histocompatibility complex, class I, E; plus strand). Cytogenetic location: 6p22.1.
Variant type: single nucleotide variant.
Coding change: c.827A>C on transcript NM_005516.6 (MANE Select); coding-DNA position 827, A replaced by C.
Protein change: p.Gln276Pro; replaces glutamine 276 with proline.
Molecular consequence: missense variant.
Genome position (GRCh38, 1-based): chr6:30,491,353, A>C. VCF-style: chr6-30491353-A-C. GRCh37 (hg19) VCF-style: chr6-30459130-A-C.
Other names: short protein forms Q276P.
Identifiers: ClinVar variation 708684 (VCV000708684.6), dbSNP rs141487266, ClinGen allele CA3697359.
Genomic context (GRCh38, chr6:30,491,353, plus strand): 5'-CTGCAGGGGATGGAACCTTCCAGAAGTGGGCAGCTGTGGTGGTGCCTTCTGGAGAGGAGC[A>C]GAGATACACGTGCCATGTGCAGCATGAGGGGCTACCCGAGCCCGTCACCCTGAGATGGAG-3'
Protein context (NP_005507.3, residues 266-286): AAVVVPSGEE[Gln276Pro]RYTCHVQHEG

ClinVar aggregate classification (germline): Likely benign. Review status: criteria provided, multiple submitters, no conflicts (2 of 4 stars). 3 submissions from 3 submitters: Likely benign (3). Last evaluated 2026-05-01.

Allele frequency attached by ClinVar (database versions not stated): 1000 Genomes Project 30x 0.00094; 1000 Genomes Project 0.00100; TOPMed 0.00159; gnomAD exomes 0.00167 and 0.00289; gnomAD 0.00168 and 0.00172; ExAC 0.00172; ESP Exome Variant Server 0.00201.
gnomAD v4.1: 4,411 of 1,614,186 alleles (0.27%); highest among the groups gnomAD compares: Non-Finnish European, 0.36%; 8 homozygotes.

Submissions (3):

CeGaT Center for Human Genetics Tuebingen
Classification: Likely benign. Last evaluated: 2026-05-01. Review status: criteria provided, single submitter. Criteria: CeGaT Center For Human Genetics Tuebingen Variant Classification Criteria Version 2. Collection method: clinical testing. Allele origin: germline. Affected: yes. Observed: 1 variant allele.
Comment: HLA-E: BP4

Labcorp Genetics (formerly Invitae), Labcorp
Classification: Likely benign. Last evaluated: 2018-07-29. Review status: criteria provided, single submitter. Criteria: Invitae Variant Classification Sherloc (09022015). Collection method: clinical testing. Allele origin: germline.

Breakthrough Genomics
Classification: Likely benign. Review status: criteria provided, single submitter. Criteria: ACMG Guidelines, 2015. Collection method: not provided. Allele origin: germline. Inheritance: Unknown mechanism. Affected: yes.